The following is an entry in ClinVar:

ClinVar aggregate classification (germline): Uncertain significance (1 of 4 stars; one submission).

Conditions:
Hereditary cancer-predisposing syndrome. Also called: Tumor predisposition; Neoplastic Syndromes, Hereditary; Hereditary neoplastic syndrome; Hereditary Cancer Syndrome. Identifiers: Orphanet 140162, MedGen C0027672, MeSH D009386, MONDO:0015356.

Submission:

Ambry Genetics
Classification: Uncertain significance for Hereditary cancer-predisposing syndrome. Last evaluated: 2025-06-19. Review status: criteria provided, single submitter. Criteria: Ambry Variant Classification Scheme 2023. Collection method: clinical testing. Allele origin: germline.
Comment: The p.L525F variant (also known as c.1575G>T), located in coding exon 10 of the KIT gene, results from a G to T substitution at nucleotide position 1575. The leucine at codon 525 is replaced by phenylalanine, an amino acid with highly similar properties. This amino acid position is conserved. In addition, the in silico prediction for this alteration is inconclusive. Based on the available evidence, the clinical significance of this variant remains unclear.

NM_000222.3(KIT):c.1575G>T (p.Leu525Phe)

Gene: KIT (KIT proto-oncogene, receptor tyrosine kinase; plus strand). Cytogenetic location: 4q12.
Variant type: single nucleotide variant.
Coding change: c.1575G>T on transcript NM_000222.3 (MANE Select); coding-DNA position 1575, G replaced by T.
Protein change: p.Leu525Phe; replaces leucine 525 with phenylalanine.
Molecular consequence: missense variant.
Genome position (GRCh38, 1-based): chr4:54,727,252, G>T. VCF-style: chr4-54727252-G-T. GRCh37 (hg19) VCF-style: chr4-55593418-G-T.
Other names: c.1563G>T, p.Leu521Phe (NM_001093772.2, NM_001385286.1); c.1578G>T, p.Leu526Phe (NM_001385284.1, NM_001385290.1); c.1575G>T, p.Leu525Phe (NM_001385285.1); c.1566G>T, p.Leu522Phe (NM_001385288.1, NM_001385292.1); short protein forms L525F, L521F, L526F, L522F.
Identifiers: ClinVar variation 4093172 (VCV004093172.1).